The following is an entry in ClinVar:

ClinVar aggregate classification (germline): Uncertain significance (1 of 4 stars; one submission).

Submission:

Labcorp Genetics (formerly Invitae), Labcorp
Classification: Uncertain significance. Last evaluated: 2021-05-16. Review status: criteria provided, single submitter. Criteria: Invitae Variant Classification Sherloc (09022015). Collection method: clinical testing. Allele origin: germline.
Comment: This variant, c.1193_1195del, results in the deletion of 1 amino acid(s) of the C1S protein (p.Gly399del), but otherwise preserves the integrity of the reading frame. The frequency data for this variant in the population databases is considered unreliable, as metrics indicate poor data quality at this position in the ExAC database. This variant has not been reported in the literature in individuals with C1S-related conditions. In summary, the available evidence is currently insufficient to determine the role of this variant in disease. Therefore, it has been classified as a Variant of Uncertain Significance. Algorithms developed to predict the effect of sequence changes on RNA splicing suggest that this variant may disrupt the consensus splice site, but this prediction has not been confirmed by published transcriptional studies.

NM_001734.5(C1S):c.1195_1195+2del

Gene: C1S (complement C1s; plus strand). Cytogenetic location: 12p13.31.
Variant type: Microsatellite.
Coding change: c.1195_1195+2del on transcript NM_001734.5 (MANE Select); coding-DNA position 1195 through the canonical splice donor site of the intron after coding-DNA position 1195, 3 bases deleted (GGT; older notation c.1195_1195+2delGGT).
Molecular consequence: splice donor variant.
Genome position (GRCh38, 1-based): chr12:7,067,771-7,067,773, GGT deleted; deleting any 3 consecutive bases within chr12:7,067,768-7,067,773 gives the same sequence; the c. name uses the placement nearest the transcript's 3' end. VCF-style (leftmost placement, unchanged base first): chr12-7067767-AGGT-A. GRCh37 (hg19) VCF-style: chr12-7175071-AGGT-A.
Other names: c.1195_1195+2del (NM_201442.4); c.694_694+2del (NM_001346850.2).
Identifiers: ClinVar variation 1403646 (VCV001403646.6), dbSNP rs782284071, ClinGen allele CA6423695.